The following is an entry in ClinVar:

ClinVar aggregate classification (germline): Benign. Review status: criteria provided, multiple submitters, no conflicts (2 of 4 stars). 4 submissions from 4 submitters: Benign (4). Last evaluated 2026-01-27.

Conditions:
Renal hypomagnesemia 4. Also called: HYPOMAGNESEMIA, RENAL, NORMOCALCIURIC. Identifiers: Orphanet 34527, MedGen C2673648, MONDO:0012717, OMIM 611718.

Allele frequency attached by ClinVar (database versions not stated): 1000 Genomes Project 0.00479; 1000 Genomes Project 30x 0.00562; gnomAD 0.00604 and 0.00654; TOPMed 0.00723; ESP Exome Variant Server 0.00738.
gnomAD v4.1: 1,926 of 1,614,054 alleles (0.12%); highest among the groups gnomAD compares: African/African-American, 2.2%; 24 homozygotes.

Submissions (4):

Labcorp Genetics (formerly Invitae), Labcorp
Classification: Benign. Last evaluated: 2026-01-27. Review status: criteria provided, single submitter. Criteria: Invitae Variant Classification Sherloc (09022015). Collection method: clinical testing. Allele origin: germline.

Mayo Clinic Laboratories, Mayo Clinic
Classification: Benign. Last evaluated: 2024-09-19. Review status: criteria provided, single submitter. Criteria: ACMG Guidelines, 2015. Collection method: clinical testing. Allele origin: germline. Observed: 2 variant alleles.
Comment: BS1, BS2, BP4, BP7

Illumina Laboratory Services, Illumina
Classification: Benign for Renal hypomagnesemia 4. Last evaluated: 2017-04-27. Review status: criteria provided, single submitter. Criteria: ICSL Variant Classification Criteria 13 December 2019. Collection method: clinical testing. Allele origin: germline.
Comment: This variant was observed as part of a predisposition screen in an ostensibly healthy population. A literature search was performed for the gene, cDNA change, and amino acid change (where applicable). No publications were found based on this search. Allele frequency data from public databases was too high to be consistent with this variant causing disease. Therefore, this variant is classified as benign.

Breakthrough Genomics
Classification: Benign. Review status: criteria provided, single submitter. Criteria: ACMG Guidelines, 2015. Collection method: not provided. Allele origin: germline. Inheritance: Autosomal recessive inheritance. Affected: yes.

NM_001963.6(EGF):c.2298G>A (p.Ser766=)

Genes: EGF (epidermal growth factor; plus strand), LOC126807134 (BRD4-independent group 4 enhancer GRCh37_chr4:110900995-110902194; plus strand). Cytogenetic location: 4q25.
Variant type: single nucleotide variant.
Coding change: c.2298G>A on transcript NM_001963.6 (MANE Select); coding-DNA position 2298, G replaced by A.
Protein change: p.Ser766=; no amino-acid change (serine 766 retained).
Molecular consequence: synonymous variant.
Genome position (GRCh38, 1-based): chr4:109,980,902, G>A. VCF-style: chr4-109980902-G-A. GRCh37 (hg19) VCF-style: chr4-110902058-G-A.
Other names: p.Ser766=; c.2298G>A, p.Ser766= (NM_001178130.3); c.2172G>A, p.Ser724= (NM_001178131.3, NM_001357021.2).
Identifiers: ClinVar variation 711911 (VCV000711911.14), dbSNP rs41491249, ClinGen allele CA3043928.
Genomic context (GRCh38, chr4:109,980,902, plus strand): 5'-ATATCAAAACGGAGGCTGTGAACATATTTGCAAAAAGAGGCTTGGAACTGCTTGGTGTTC[G>A]TGTCGTGAAGGTTTTATGAAAGCCTCAGATGGGAAAACGTGTCTGGCTCTGGATGGTCAT-3'
Protein context (NP_001954.2, residues 756-776): CKKRLGTAWC[Ser766=]CREGFMKASD